The following is an entry in ClinVar:

NM_005902.4(SMAD3):c.607+5G>T

Gene: SMAD3 (SMAD family member 3; plus strand). Cytogenetic location: 15q22.33.
Variant type: single nucleotide variant.
Coding change: c.607+5G>T on transcript NM_005902.4 (MANE Select); 5 bases into the intron after coding-DNA position 607, G replaced by T.
Molecular consequence: intron variant.
Genome position (GRCh38, 1-based): chr15:67,166,858, G>T. VCF-style: chr15-67166858-G-T. GRCh37 (hg19) VCF-style: chr15-67459196-G-T.
Other names: c.292+5G>T (NM_001145102.2); c.475+5G>T (NM_001145103.2); c.22+5G>T (NM_001145104.2).
Identifiers: ClinVar variation 925506 (VCV000925506.6), dbSNP rs772419612, ClinGen allele CA062411.

ClinVar aggregate classification (germline): Uncertain significance. Review status: criteria provided, multiple submitters, no conflicts (2 of 4 stars). 3 submissions from 3 submitters: Uncertain significance (3). Last evaluated 2025-07-22.

Conditions:
Familial thoracic aortic aneurysm and aortic dissection (TAAD). Also called: Thoracic aortic aneurysms and dissections. Identifiers: Orphanet 91387, MedGen C4707243, MONDO:0019625.

Allele frequency attached by ClinVar (database versions not stated): gnomAD exomes below 0.00001 and 0.00001; ExAC 0.00003.
gnomAD v4.1: 2 of 1,574,294 alleles (0.00013%); highest among the groups gnomAD compares: Middle Eastern, 0.017%; no homozygotes.

Submissions (3):

Ambry Genetics
Classification: Uncertain significance for Familial thoracic aortic aneurysm and aortic dissection. Last evaluated: 2025-07-22. Review status: criteria provided, single submitter. Criteria: Ambry Variant Classification Scheme 2023. Collection method: clinical testing. Allele origin: germline.
Comment: The c.607+5G>T intronic variant results from a G to T substitution 5 nucleotides after coding exon 4 in the SMAD3 gene. This nucleotide position is well conserved in available vertebrate species. In silico splice site analysis predicts that this alteration may result in the creation or strengthening of a novel splice donor site. Based on the available evidence, the clinical significance of this variant remains unclear.

GeneDx
Classification: Uncertain significance. Last evaluated: 2021-04-14. Review status: criteria provided, single submitter. Criteria: GeneDx Variant Classification Process June 2021. Collection method: clinical testing. Allele origin: germline. Affected: yes.
Comment: Intronic +5 splice site variant in a gene for which loss-of-function is a known mechanism of disease, and both splice predictors and evolutionary conservation support a deleterious effect, although in the absence of functional evidence the actual effect of this sequence change is unknown.; Not observed at a significant frequency in large population cohorts (Lek et al., 2016); Has not been previously published as pathogenic or benign to our knowledge

Color Diagnostics, LLC DBA Color Health
Classification: Uncertain significance for Familial thoracic aortic aneurysm and aortic dissection. Last evaluated: 2019-07-19. Review status: criteria provided, single submitter. Criteria: ACMG Guidelines, 2015. Collection method: clinical testing. Allele origin: germline.
Comment: This variant is located in intron 4 of the SMAD3 gene. Computational splicing tools predict that this variant may have a significant impact on RNA splicing. To our knowledge, functional studies have not been performed for this variant nor has this variant been reported in individuals affected with cardiovascular disorders in the literature. This variant has been identified in 1/191594 chromosomes in the general population by the Genome Aggregation Database (gnomAD). Available evidence is insufficient to determine the role of this variant in disease conclusively. Therefore, this variant is classified as a Variant of Uncertain Significance.